The following is an entry in ClinVar:

NM_001126108.2(SLC12A3):c.2633+2T>G

Gene: SLC12A3 (solute carrier family 12 member 3; plus strand). Cytogenetic location: 16q13.
Variant type: single nucleotide variant.
Coding change: c.2633+2T>G on transcript NM_001126108.2 (MANE Select); the canonical splice donor site of the intron after coding-DNA position 2633, T replaced by G.
Molecular consequence: splice donor variant.
Genome position (GRCh38, 1-based): chr16:56,894,644, T>G. VCF-style: chr16-56894644-T-G. GRCh37 (hg19) VCF-style: chr16-56928556-T-G.
Other names: c.2630+2T>G (NM_001410896.1); c.2660+2T>G (NM_000339.3); c.2657+2T>G (NM_001126107.2).
Identifiers: ClinVar variation 2760605 (VCV002760605.3), dbSNP rs1219150462, ClinGen allele CA395997833.
Genomic context (GRCh38, chr16:56,894,644, plus strand): 5'-TGCAAGATCCGTGTGTTCGTAGGCGGCCAGATTAACAGGATGGACCAGGAGAGAAAGGCG[T>G]AAGTGTGGAGGGCTGGCCTGGGGGTGACTGCAGGGACCAGTGTCATCTTAGCTCCACCCA-3'

ClinVar aggregate classification (germline): Pathogenic (1 of 4 stars; one submission).

Submission:

Labcorp Genetics (formerly Invitae), Labcorp
Classification: Pathogenic. Last evaluated: 2023-09-14. Review status: criteria provided, single submitter. Criteria: Invitae Variant Classification Sherloc (09022015). Collection method: clinical testing. Allele origin: germline.
Comment: For these reasons, this variant has been classified as Pathogenic. Algorithms developed to predict the effect of sequence changes on RNA splicing suggest that this variant may disrupt the consensus splice site. Disruption of this splice site has been observed in individuals with Gitelman syndrome (PMID: 24830959, 30413979). This variant is not present in population databases (gnomAD no frequency). This sequence change affects a donor splice site in intron 22 of the SLC12A3 gene. It is expected to disrupt RNA splicing. Variants that disrupt the donor or acceptor splice site typically lead to a loss of protein function (PMID: 16199547), and loss-of-function variants in SLC12A3 are known to be pathogenic (PMID: 20848653, 22009145, 25841442).

Literature cited by the submitters: PubMed 24830959; PubMed 30413979; PubMed 16199547; PubMed 20848653; PubMed 22009145; PubMed 25841442.